The following is an entry in ClinVar:

ClinVar aggregate classification (germline): Conflicting classifications of pathogenicity. Review status: criteria provided, conflicting classifications (1 of 4 stars). 5 submissions from 5 submitters: Uncertain significance (3); Likely benign (1). 1 of the submissions does not count toward it. Last evaluated 2026-01-27.

Conditions:
Niemann-Pick disease, type C1. Also called: NIEMANN-PICK DISEASE, VARIANT TYPE C1; NEUROVISCERAL STORAGE DISEASE WITH VERTICAL SUPRANUCLEAR OPHTHALMOPLEGIA; NIEMANN-PICK DISEASE WITH CHOLESTEROL ESTERIFICATION BLOCK; NIEMANN-PICK DISEASE WITHOUT SPHINGOMYELINASE DEFICIENCY; NIEMANN-PICK DISEASE, CHRONIC NEURONOPATHIC FORM. Identifiers: Orphanet 646, MedGen C3179455, MONDO:0009757, OMIM 257220.

Allele frequency attached by ClinVar (database versions not stated): ExAC 0.00008; ESP Exome Variant Server 0.00008; gnomAD exomes 0.00008; TOPMed 0.00015; gnomAD 0.00016 and 0.00017; 1000 Genomes Project 0.00040; 1000 Genomes Project 30x 0.00047.
gnomAD v4.1: 92 of 1,613,648 alleles (0.0057%); highest among the groups gnomAD compares: African/African-American, 0.044%; no homozygotes.

Submissions (5):

Labcorp Genetics (formerly Invitae), Labcorp
Classification: Likely benign for Niemann-Pick disease, type C1. Last evaluated: 2026-01-27. Review status: criteria provided, single submitter. Criteria: Invitae Variant Classification Sherloc (09022015). Collection method: clinical testing. Allele origin: germline.

GeneDx
Classification: Uncertain significance. Last evaluated: 2024-01-03. Review status: criteria provided, single submitter. Criteria: GeneDx Variant Classification Process June 2021. Collection method: clinical testing. Allele origin: germline. Affected: yes.
Comment: Has not been previously published as pathogenic or benign to our knowledge; In silico analysis supports that this missense variant does not alter protein structure/function

Eurofins Ntd Llc (ga)
Classification: Uncertain significance. Last evaluated: 2018-08-30. Review status: criteria provided, single submitter. Criteria: EGL ClinVar v180209 classification definitions. Collection method: clinical testing. Allele origin: germline. Observed: 2 variant alleles, 2 heterozygotes.

Illumina Laboratory Services, Illumina
Classification: Uncertain significance for Niemann-Pick disease type C1. Last evaluated: 2018-01-12. Review status: criteria provided, single submitter. Criteria: ICSL Variant Classification Criteria 13 December 2019. Collection method: clinical testing. Allele origin: germline.

Natera, Inc.
Classification: Uncertain significance for Niemann-Pick disease type C1. Last evaluated: 2020-09-16. Review status: no assertion criteria provided. Collection method: clinical testing. Allele origin: germline. Not counted in ClinVar's aggregate classification.

NM_000271.5(NPC1):c.233G>A (p.Arg78Gln)

Gene: NPC1 (NPC intracellular cholesterol transporter 1; minus strand). Cytogenetic location: 18q11.2.
Variant type: single nucleotide variant.
Coding change: c.233G>A on transcript NM_000271.5 (MANE Select); coding-DNA position 233, G replaced by A.
Protein change: p.Arg78Gln; replaces arginine 78 with glutamine.
Molecular consequence: missense variant.
Genome position (GRCh38, 1-based): chr18:23,572,128, C>T on the plus strand (G>A on the coding strand, the complement: NPC1 is on the minus strand). VCF-style: chr18-23572128-C-T. GRCh37 (hg19) VCF-style: chr18-21152092-C-T.
Other names: short protein forms R78Q.
Identifiers: ClinVar variation 326279 (VCV000326279.19), dbSNP rs373274825, ClinGen allele CA8913786.
Genomic context (GRCh38, chr18:23,572,128, plus strand): 5'-ACCTACCTGGACAGAAACTGTAGAGGCAGCTGCAGGTTGTCTTTTAGTGTCTGAAGCTGC[C>T]GAACATCACAACAGAGACTGACATTGCCAAAGAAGAATCCTGGACAGAGTTCCTTTCAGG-3'
Protein context (NP_000262.2, residues 68-88): FGNVSLCCDV[Arg78Gln]QLQTLKDNLQ